The following is an entry in ClinVar:

ClinVar aggregate classification (germline): Likely benign. Review status: criteria provided, multiple submitters, no conflicts (2 of 4 stars). 2 submissions from 2 submitters: Likely benign (2). Last evaluated 2024-05-31.

Allele frequency attached by ClinVar (database versions not stated): gnomAD 0.00001; gnomAD exomes 0.00001; TOPMed 0.00001; ExAC 0.00004; ESP Exome Variant Server 0.00008.
gnomAD v4.1: 20 of 1,614,056 alleles (0.0012%); highest among the groups gnomAD compares: Non-Finnish European, 0.0015%; no homozygotes.

Submissions (2):

Blueprint Genetics
Classification: Likely benign. Last evaluated: 2024-05-31. Review status: criteria provided, single submitter. Criteria: ACMG Guidelines, 2015. Collection method: clinical testing. Allele origin: germline.

CeGaT Center for Human Genetics Tuebingen
Classification: Likely benign. Last evaluated: 2022-08-01. Review status: criteria provided, single submitter. Criteria: CeGaT Center For Human Genetics Tuebingen Variant Classification Criteria Version 2. Collection method: clinical testing. Allele origin: germline. Affected: yes. Observed: 1 variant allele.
Comment: ALDH18A1: BP4, BP7

NM_002860.4(ALDH18A1):c.987T>C (p.Asn329=)

Gene: ALDH18A1 (aldehyde dehydrogenase 18 family member A1; minus strand). Cytogenetic location: 10q24.1.
Variant type: single nucleotide variant.
Coding change: c.987T>C on transcript NM_002860.4 (MANE Select); coding-DNA position 987, T replaced by C.
Protein change: p.Asn329=; no amino-acid change (asparagine 329 retained).
Molecular consequence: synonymous variant.
Genome position (GRCh38, 1-based): chr10:95,627,533, A>G on the plus strand (T>C on the coding strand, the complement: ALDH18A1 is on the minus strand). VCF-style: chr10-95627533-A-G. GRCh37 (hg19) VCF-style: chr10-97387290-A-G.
Other names: c.648T>C, p.Asn216= (NM_001323418.2); c.351T>C, p.Asn117= (NM_001323419.2); c.981T>C, p.Asn327= (NM_001017423.2, NM_001323415.2); c.654T>C, p.Asn218= (NM_001323412.2, NM_001323416.2); c.987T>C, p.Asn329= (NM_001323413.2, NM_001323414.2); c.882T>C, p.Asn294= (NM_001323417.2).
Identifiers: ClinVar variation 2640715 (VCV002640715.25), dbSNP rs151071395, ClinGen allele CA5620451.
Genomic context (GRCh38, chr10:95,627,533, plus strand): 5'-AACTTTCTTCCCCTCCACAATGTCTGTGATGACGTGCCCAGACACCTTTGGGTGGGTTCC[A>G]TTGGCAATAACAACAGAAGTGCCACCTTGCAAAGCCCAGAGGGCTGCTTTCACCTAATGA-3'
Protein context (NP_002851.2, residues 319-339): LQGGTSVVIA[Asn329=]GTHPKVSGHV